The following is an entry in ClinVar:

ClinVar aggregate classification (germline): Uncertain significance. Review status: criteria provided, multiple submitters, no conflicts (2 of 4 stars). 3 submissions from 3 submitters: Uncertain significance (3). Last evaluated 2024-04-11.

Conditions:
Xanthinuria type II. Also called: Xanthine dehydrogenase and aldehyde oxidase combined deficiency of; XDH and AOX dual deficiency. Identifiers: Orphanet 3467, Orphanet 93602, MedGen C1863688, MONDO:0011346, OMIM 603592.
Hereditary xanthinuria type 1 (XAN1). Identifiers: Orphanet 3467, Orphanet 93601, MedGen C0268118, MONDO:0010209, OMIM 278300.

Allele frequency attached by ClinVar (database versions not stated): ESP Exome Variant Server 0.00008.
gnomAD v4.1: 39 of 1,614,034 alleles (0.0024%); highest among the groups gnomAD compares: Non-Finnish European, 0.0031%; no homozygotes.

Submissions (3):

Fulgent Genetics
Classification: Uncertain significance for Hereditary xanthinuria type 1. Last evaluated: 2024-04-11. Review status: criteria provided, single submitter. Criteria: ACMG Guidelines, 2015. Collection method: clinical testing. Allele origin: germline.

Labcorp Genetics (formerly Invitae), Labcorp
Classification: Uncertain significance for Xanthinuria type II. Last evaluated: 2019-09-24. Review status: criteria provided, single submitter. Criteria: Invitae Variant Classification Sherloc (09022015). Collection method: clinical testing. Allele origin: germline.
Comment: In summary, the available evidence is currently insufficient to determine the role of this variant in disease. Therefore, it has been classified as a Variant of Uncertain Significance. Algorithms developed to predict the effect of missense changes on protein structure and function (SIFT, PolyPhen-2, Align-GVGD) all suggest that this variant is likely to be tolerated, but these predictions have not been confirmed by published functional studies and their clinical significance is uncertain. This variant has not been reported in the literature in individuals with XDH-related conditions. This variant is present in population databases (rs375290824, ExAC 0.003%). This sequence change replaces isoleucine with phenylalanine at codon 1238 of the XDH protein (p.Ile1238Phe). The isoleucine residue is moderately conserved and there is a small physicochemical difference between isoleucine and phenylalanine.

Illumina Laboratory Services, Illumina
Classification: Uncertain significance for Hereditary xanthinuria type 1. Last evaluated: 2018-01-12. Review status: criteria provided, single submitter. Criteria: ICSL Variant Classification Criteria 13 December 2019. Collection method: clinical testing. Allele origin: germline.

NM_000379.4(XDH):c.3712A>T (p.Ile1238Phe)

Gene: XDH (xanthine dehydrogenase; minus strand). Cytogenetic location: 2p23.1.
Variant type: single nucleotide variant.
Coding change: c.3712A>T on transcript NM_000379.4 (MANE Select); coding-DNA position 3712, A replaced by T.
Protein change: p.Ile1238Phe; replaces isoleucine 1238 with phenylalanine.
Molecular consequence: missense variant.
Genome position (GRCh38, 1-based): chr2:31,339,551, T>A on the plus strand (A>T on the coding strand, the complement: XDH is on the minus strand). VCF-style: chr2-31339551-T-A. GRCh37 (hg19) VCF-style: chr2-31562417-T-A.
Other names: short protein forms I1238F.
Identifiers: ClinVar variation 898503 (VCV000898503.13), dbSNP rs375290824, ClinGen allele CA1598293.